The following is an entry in ClinVar:

NM_052876.4(NACC1):c.1325-4A>C

Gene: NACC1 (nucleus accumbens associated 1; plus strand). Cytogenetic location: 19p13.13.
Variant type: single nucleotide variant.
Coding change: c.1325-4A>C on transcript NM_052876.4 (MANE Select); 4 bases into the intron before coding-DNA position 1325, A replaced by C.
Molecular consequence: intron variant.
Genome position (GRCh38, 1-based): chr19:13,138,143, A>C. VCF-style: chr19-13138143-A-C. GRCh37 (hg19) VCF-style: chr19-13248957-A-C.
Identifiers: ClinVar variation 931953 (VCV000931953.3), dbSNP rs2019733406, ClinGen allele CA1139655038.

ClinVar aggregate classification (germline): Uncertain significance (1 of 4 stars; one submission).

Conditions:
Neurodevelopmental disorder with epilepsy, cataracts, feeding difficulties, and delayed brain myelination (NECFM). Identifiers: Orphanet 500545, MedGen C4479333, MONDO:0044306, OMIM 617393.

Submission:

Centre for Mendelian Genomics, University Medical Centre Ljubljana
Classification: Uncertain significance for Neurodevelopmental disorder with epilepsy, cataracts, feeding difficulties, and delayed brain myelination. Last evaluated: 2019-01-15. Review status: criteria provided, single submitter. Criteria: ACMG Guidelines, 2015. Collection method: clinical testing. Allele origin: unknown. Affected: yes.
Comment: This variant was classified as: Uncertain significance. The available evidence on this variant's pathogenicity is insufficient or conflicting. The following ACMG criteria were applied in classifying this variant: PM2,BP4.